The following is an entry in ClinVar:

ClinVar aggregate classification (germline): Uncertain significance. Review status: criteria provided, multiple submitters, no conflicts (2 of 4 stars). 5 submissions from 5 submitters: Uncertain significance (5). Last evaluated 2025-07-30.

Conditions:
MYH6-related disorder. Also called: MYH6-Related Disorders; MYH6-related condition.
Dilated cardiomyopathy 1EE (CMD1EE). Identifiers: Orphanet 154, MedGen C2750466, MONDO:0013198, OMIM 613252.
Atrial septal defect 3 (ASD3). Identifiers: Orphanet 1478, MedGen C3279790, MONDO:0013567, OMIM 614089.
Hypertrophic cardiomyopathy 1 (CMH1). Also called: Familial hypertrophic cardiomyopathy 1; MYH7-Related Familial Hypertrophic Cardiomyopathy. Identifiers: MedGen C3495498, MONDO:0008647, OMIM 192600.
Hypertrophic cardiomyopathy 14. Identifiers: MedGen C2750467, MONDO:0013197, OMIM 613251.
Sick sinus syndrome 3, susceptibility to (SSS3). Identifiers: Orphanet 166282, MedGen C3279791, MONDO:0013568, OMIM 614090.
Cardiovascular phenotype. Identifiers: MedGen CN230736.

Allele frequency attached by ClinVar (database versions not stated): TOPMed 0.00002.
gnomAD v4.1: 41 of 1,614,084 alleles (0.0025%); highest among the groups gnomAD compares: African/African-American, 0.0067%; no homozygotes.

Submissions (5):

PreventionGenetics, part of Exact Sciences
Classification: Uncertain significance for MYH6-related condition. Last evaluated: 2025-07-30. Review status: criteria provided, single submitter. Criteria: ACMG Guidelines, 2015. Collection method: clinical testing. Allele origin: germline.
Comment: The MYH6 c.1185C>A variant is predicted to result in the amino acid substitution p.Asp395Glu. This variant has been reported as a variant of uncertain significance in a cohort study of individuals with sudden unexplained death (Supplementary Table S3, Lin et al. 2017. PubMed ID: 29247119); however, detailed clinical information was not provided. This variant is reported in 0.0080% of alleles in individuals of African descent in gnomAD. At this time, the clinical significance of this variant is uncertain due to the absence of conclusive functional and genetic evidence.

Labcorp Genetics (formerly Invitae), Labcorp
Classification: Uncertain significance for Hypertrophic cardiomyopathy 14. Last evaluated: 2025-02-27. Review status: criteria provided, single submitter. Criteria: Invitae Variant Classification Sherloc (09022015). Collection method: clinical testing. Allele origin: germline.
Comment: This sequence change replaces aspartic acid, which is acidic and polar, with glutamic acid, which is acidic and polar, at codon 395 of the MYH6 protein (p.Asp395Glu). This variant is present in population databases (no rsID available, gnomAD 0.008%). This missense change has been observed in individual(s) with sudden unexplained death syndrome (PMID: 29247119). ClinVar contains an entry for this variant (Variation ID: 836874). Invitae Evidence Modeling of protein sequence and biophysical properties (such as structural, functional, and spatial information, amino acid conservation, physicochemical variation, residue mobility, and thermodynamic stability) indicates that this missense variant is not expected to disrupt MYH6 protein function with a negative predictive value of 80%. In summary, the available evidence is currently insufficient to determine the role of this variant in disease. Therefore, it has been classified as a Variant of Uncertain Significance.

Ambry Genetics
Classification: Uncertain significance for Cardiovascular phenotype. Last evaluated: 2023-06-28. Review status: criteria provided, single submitter. Criteria: Ambry Variant Classification Scheme 2023. Collection method: clinical testing. Allele origin: germline.
Comment: The p.D395E variant (also known as c.1185C>A), located in coding exon 11 of the MYH6 gene, results from a C to A substitution at nucleotide position 1185. The aspartic acid at codon 395 is replaced by glutamic acid, an amino acid with highly similar properties. This variant has been detected in a sudden death cohort (Lin Y et al. Circ Cardiovasc Genet, 2017 Dec;10). This amino acid position is highly conserved in available vertebrate species. In addition, the in silico prediction for this alteration is inconclusive. Since supporting evidence is limited at this time, the clinical significance of this alteration remains unclear.

Fulgent Genetics
Classification: Uncertain significance for Hypertrophic cardiomyopathy 1; Hypertrophic cardiomyopathy 14; Dilated cardiomyopathy 1EE; Atrial septal defect 3; Sick sinus syndrome 3, susceptibility to. Last evaluated: 2021-08-31. Review status: criteria provided, single submitter. Criteria: ACMG Guidelines, 2015. Collection method: clinical testing. Allele origin: unknown.

GeneDx
Classification: Uncertain significance. Last evaluated: 2019-05-06. Review status: criteria provided, single submitter. Criteria: GeneDx Variant Classification Process June 2021. Collection method: clinical testing. Allele origin: germline. Affected: yes.
Comment: Identified in a patient with sudden unexplained death in published literature (Lin et al., 2017); Not observed at a significant frequency in large population cohorts (Lek et al., 2016); In silico analysis, which includes protein predictors and evolutionary conservation, supports that this variant does not alter protein structure/function; This variant is associated with the following publications: (PMID: 29247119)

Literature cited by the submitters: PubMed 29247119 (cited by Labcorp Genetics (formerly Invitae), Labcorp and Ambry Genetics).

NM_002471.4(MYH6):c.1185C>A (p.Asp395Glu)

Gene: MYH6 (myosin heavy chain 6; minus strand). Cytogenetic location: 14q11.2.
Variant type: single nucleotide variant.
Coding change: c.1185C>A on transcript NM_002471.4 (MANE Select); coding-DNA position 1185, C replaced by A.
Protein change: p.Asp395Glu; replaces aspartic acid 395 with glutamic acid.
Molecular consequence: missense variant.
Genome position (GRCh38, 1-based): chr14:23,400,934, G>T on the plus strand (C>A on the coding strand, the complement: MYH6 is on the minus strand). VCF-style: chr14-23400934-G-T. GRCh37 (hg19) VCF-style: chr14-23870143-G-T.
Other names: short protein forms D395E.
Identifiers: ClinVar variation 836874 (VCV000836874.14), dbSNP rs201822160, ClinGen allele CA257793889.